The following is an entry in ClinVar:

NM_001447.3(FAT2):c.1086C>G (p.Phe362Leu)

Gene: FAT2 (FAT atypical cadherin 2; minus strand). Cytogenetic location: 5q33.1.
Variant type: single nucleotide variant.
Coding change: c.1086C>G on transcript NM_001447.3 (MANE Select); coding-DNA position 1086, C replaced by G.
Protein change: p.Phe362Leu; replaces phenylalanine 362 with leucine.
Molecular consequence: missense variant.
Genome position (GRCh38, 1-based): chr5:151,567,846, G>C on the plus strand (C>G on the coding strand, the complement: FAT2 is on the minus strand). VCF-style: chr5-151567846-G-C. GRCh37 (hg19) VCF-style: chr5-150947407-G-C.
Other names: short protein forms F362L.
Identifiers: ClinVar variation 2655969 (VCV002655969.24), dbSNP rs200331562, ClinGen allele CA3522322.

ClinVar aggregate classification (germline): Likely benign (1 of 4 stars; one submission).

Allele frequency attached by ClinVar (database versions not stated): ESP Exome Variant Server 0.00008.
gnomAD v4.1: 77 of 1,614,004 alleles (0.0048%); highest among the groups gnomAD compares: Middle Eastern, 0.066%; 1 homozygote.

Submission:

CeGaT Center for Human Genetics Tuebingen
Classification: Likely benign. Last evaluated: 2024-04-01. Review status: criteria provided, single submitter. Criteria: CeGaT Center For Human Genetics Tuebingen Variant Classification Criteria Version 2. Collection method: clinical testing. Allele origin: germline. Affected: yes. Observed: 2 variant alleles.
Comment: FAT2: BP4